The following is an entry in ClinVar:

ClinVar aggregate classification (germline): Uncertain significance (1 of 4 stars; one submission).

gnomAD v4.1: 3 of 1,596,712 alleles (0.00019%); highest among the groups gnomAD compares: Admixed American, 0.0052%; no homozygotes.

Submission:

Labcorp Genetics (formerly Invitae), Labcorp
Classification: Uncertain significance. Last evaluated: 2024-01-24. Review status: criteria provided, single submitter. Criteria: Invitae Variant Classification Sherloc (09022015). Collection method: clinical testing. Allele origin: germline.
Comment: This sequence change replaces threonine, which is neutral and polar, with proline, which is neutral and non-polar, at codon 315 of the FOXRED1 protein (p.Thr315Pro). This variant is not present in population databases (gnomAD no frequency). This variant has not been reported in the literature in individuals affected with FOXRED1-related conditions. ClinVar contains an entry for this variant (Variation ID: 1498308). Advanced modeling of protein sequence and biophysical properties (such as structural, functional, and spatial information, amino acid conservation, physicochemical variation, residue mobility, and thermodynamic stability) performed at Invitae indicates that this missense variant is expected to disrupt FOXRED1 protein function with a positive predictive value of 80%. In summary, the available evidence is currently insufficient to determine the role of this variant in disease. Therefore, it has been classified as a Variant of Uncertain Significance.

NM_017547.4(FOXRED1):c.943A>C (p.Thr315Pro)

Gene: FOXRED1 (FAD dependent oxidoreductase domain containing 1; plus strand). Cytogenetic location: 11q24.2.
Variant type: single nucleotide variant.
Coding change: c.943A>C on transcript NM_017547.4 (MANE Select); coding-DNA position 943, A replaced by C.
Protein change: p.Thr315Pro; replaces threonine 315 with proline.
Molecular consequence: missense variant. On other transcripts: non-coding transcript variant (2).
Genome position (GRCh38, 1-based): chr11:126,276,191, A>C. VCF-style: chr11-126276191-A-C. GRCh37 (hg19) VCF-style: chr11-126146086-A-C.
Other names: short protein forms T315P.
Identifiers: ClinVar variation 1498308 (VCV001498308.6), dbSNP rs111338847, ClinGen allele CA383230743.